The following is an entry in ClinVar:

NM_144670.6(A2ML1):c.871T>C (p.Cys291Arg)

Gene: A2ML1 (alpha-2-macroglobulin like 1; plus strand). Cytogenetic location: 12p13.31.
Variant type: single nucleotide variant.
Coding change: c.871T>C on transcript NM_144670.6 (MANE Select); coding-DNA position 871, T replaced by C.
Protein change: p.Cys291Arg; replaces cysteine 291 with arginine.
Molecular consequence: missense variant.
Genome position (GRCh38, 1-based): chr12:8,838,351, T>C. VCF-style: chr12-8838351-T-C. GRCh37 (hg19) VCF-style: chr12-8990947-T-C.
Other names: short protein forms C291R.
Identifiers: ClinVar variation 2564146 (VCV002564146.2), dbSNP rs1310248691, ClinGen allele CA383823296.
Genomic context (GRCh38, chr12:8,838,351, plus strand): 5'-GATTCCTCATCTGCTCTCTATCTCTGTCTCTGATCACCTCACTAGACTGACAAAACAGGA[T>C]GTTTCTCAGCACCTGTGGACATGGCCACCTTTGACCTCATTGGATATGCGTACAGCCATC-3'
Protein context (NP_653271.3, residues 281-301): NLSGQTDKTG[Cys291Arg]FSAPVDMATF

ClinVar aggregate classification (germline): Uncertain significance (1 of 4 stars; one submission).

gnomAD v4.1: 1 of 1,613,364 alleles (0.000062%); no homozygotes.

Submission:

Ambry Genetics
Classification: Uncertain significance. Last evaluated: 2023-06-03. Review status: criteria provided, single submitter. Criteria: Ambry Variant Classification Scheme 2023. Collection method: clinical testing. Allele origin: germline.
Comment: The p.C291R variant (also known as c.871T>C), located in coding exon 9 of the A2ML1 gene, results from a T to C substitution at nucleotide position 871. The cysteine at codon 291 is replaced by arginine, an amino acid with highly dissimilar properties. This amino acid position is conserved. In addition, the in silico prediction for this alteration is inconclusive. Since supporting evidence is limited at this time, the clinical significance of this alteration remains unclear.